The following is an entry in ClinVar:

NM_172364.5(CACNA2D4):c.3334G>A (p.Ala1112Thr)

Gene: CACNA2D4 (calcium voltage-gated channel auxiliary subunit alpha2delta 4; minus strand). Cytogenetic location: 12p13.33.
Variant type: single nucleotide variant.
Coding change: c.3334G>A on transcript NM_172364.5 (MANE Select); coding-DNA position 3334, G replaced by A.
Protein change: p.Ala1112Thr; replaces alanine 1112 with threonine.
Molecular consequence: missense variant.
Genome position (GRCh38, 1-based): chr12:1,793,735, C>T on the plus strand (G>A on the coding strand, the complement: CACNA2D4 is on the minus strand). VCF-style: chr12-1793735-C-T. GRCh37 (hg19) VCF-style: chr12-1902901-C-T.
Other names: short protein forms A1112T.
Identifiers: ClinVar variation 954436 (VCV000954436.10), dbSNP rs755690994, ClinGen allele CA6385943.

ClinVar aggregate classification (germline): Conflicting classifications of pathogenicity. Review status: criteria provided, conflicting classifications (1 of 4 stars). 3 submissions from 3 submitters: Uncertain significance (1); Likely benign (2). Last evaluated 2025-12-24.

Conditions:
Inborn genetic diseases. Identifiers: MedGen C0950123, MeSH D030342.

Allele frequency attached by ClinVar (database versions not stated): gnomAD 0.00006 and 0.00007; gnomAD exomes 0.00007; TOPMed 0.00008; ExAC 0.00009.

Submissions (3):

Labcorp Genetics (formerly Invitae), Labcorp
Classification: Uncertain significance. Last evaluated: 2025-12-24. Review status: criteria provided, single submitter. Criteria: Invitae Variant Classification Sherloc (09022015). Collection method: clinical testing. Allele origin: germline.
Comment: This sequence change replaces alanine, which is neutral and non-polar, with threonine, which is neutral and polar, at codon 1112 of the CACNA2D4 protein (p.Ala1112Thr). This variant is present in population databases (rs755690994, gnomAD 0.04%). This variant has not been reported in the literature in individuals affected with CACNA2D4-related conditions. ClinVar contains an entry for this variant (Variation ID: 954436). An algorithm developed to predict the effect of missense changes on protein structure and function outputs the following: PolyPhen-2: "Benign". The threonine amino acid residue is found in multiple mammalian species, which suggests that this missense change does not adversely affect protein function. In summary, the available evidence is currently insufficient to determine the role of this variant in disease. Therefore, it has been classified as a Variant of Uncertain Significance.

Blueprint Genetics
Classification: Likely benign. Last evaluated: 2024-03-13. Review status: criteria provided, single submitter. Criteria: ACMG Guidelines, 2015. Collection method: clinical testing. Allele origin: germline.

Ambry Genetics
Classification: Likely benign for Inborn genetic diseases. Last evaluated: 2023-04-26. Review status: criteria provided, single submitter. Criteria: Ambry Variant Classification Scheme 2023. Collection method: clinical testing. Allele origin: germline.